The following is an entry in ClinVar:

NC_000014.8:g.(?_65543194)_(65544764_?)dup

Gene: MAX (MYC associated transcriptional regulator X; minus strand). Cytogenetic location: 14q23.3.
Variant type: Duplication.
Identifiers: ClinVar variation 1482350 (VCV001482350.4).

ClinVar aggregate classification (germline): Uncertain significance (1 of 4 stars; one submission).

Conditions:
Hereditary pheochromocytoma and paraganglioma. Also called: Hereditary paragangliomas and pheochromocytomas; Hereditary Paraganglioma-Pheochromocytoma Syndromes; Hereditary pheochromocytoma-paraganglioma. Identifiers: Orphanet 29072, MedGen C4274332, MONDO:0017366.

Submission:

Labcorp Genetics (formerly Invitae), Labcorp
Classification: Uncertain significance for Hereditary pheochromocytoma and paraganglioma. Last evaluated: 2021-01-16. Review status: criteria provided, single submitter. Criteria: Invitae Variant Classification Sherloc (09022015). Collection method: clinical testing. Allele origin: germline.
Comment: In summary, the available evidence is currently insufficient to determine the role of this variant in disease. Therefore, it has been classified as a Variant of Uncertain Significance. Experimental studies and prediction algorithms are not available or were not evaluated, and the functional significance of this variant is currently unknown. This variant has not been reported in the literature in individuals with MAX-related conditions. This variant results in a copy number gain of the genomic region encompassing exon(s) 4-5 of the MAX gene. The 5' boundary is likely confined to intron 3. The 3' end of this event is unknown as it extends beyond the assayed region for this gene and therefore may encompass additional genes. As the precise location of this event is unknown, it may be in tandem or it may be located elsewhere in the genome.